The following is an entry in ClinVar:

NM_001160148.2(DDHD1):c.317G>C (p.Gly106Ala)

Gene: DDHD1 (DDHD domain containing 1; minus strand). Cytogenetic location: 14q22.1.
Variant type: single nucleotide variant.
Coding change: c.317G>C on transcript NM_001160148.2 (MANE Select); coding-DNA position 317, G replaced by C.
Protein change: p.Gly106Ala; replaces glycine 106 with alanine.
Molecular consequence: missense variant.
Genome position (GRCh38, 1-based): chr14:53,152,782, C>G on the plus strand (G>C on the coding strand, the complement: DDHD1 is on the minus strand). VCF-style: chr14-53152782-C-G. GRCh37 (hg19) VCF-style: chr14-53619500-C-G.
Other names: p.Gly106Ala; c.317G>C, p.Gly106Ala (NM_001160147.2, NM_030637.3); short protein forms G106A.
Identifiers: ClinVar variation 379961 (VCV000379961.12), dbSNP rs117525276, ClinGen allele CA7191537.

ClinVar aggregate classification (germline): Benign. Review status: criteria provided, multiple submitters, no conflicts (2 of 4 stars). 4 submissions from 4 submitters: Benign (4). Last evaluated 2026-02-03.

Conditions:
Hereditary spastic paraplegia 28. Also called: Spastic paraplegia 28, autosomal recessive. Identifiers: Orphanet 101008, MedGen C1836295, MONDO:0012256, OMIM 609340.

Allele frequency attached by ClinVar (database versions not stated): ESP Exome Variant Server 0.02743; gnomAD exomes 0.04195 and 0.06622; gnomAD 0.04439 and 0.04740; TOPMed 0.05168; ExAC 0.06486; 1000 Genomes Project 30x 0.06996; 1000 Genomes Project 0.07228.
gnomAD v4.1: 68,431 of 1,606,588 alleles (4.3%); highest among the groups gnomAD compares: Admixed American, 16%; 2,538 homozygotes.

Submissions (4):

Labcorp Genetics (formerly Invitae), Labcorp
Classification: Benign for Hereditary spastic paraplegia 28. Last evaluated: 2026-02-03. Review status: criteria provided, single submitter. Criteria: Invitae Variant Classification Sherloc (09022015). Collection method: clinical testing. Allele origin: germline.

Mayo Clinic Laboratories, Mayo Clinic
Classification: Benign. Last evaluated: 2017-07-24. Review status: criteria provided, single submitter. Criteria: ACMG Guidelines, 2015. Collection method: clinical testing. Allele origin: germline. Observed: 118 variant alleles.

GeneDx
Classification: Benign. Last evaluated: 2016-01-29. Review status: criteria provided, single submitter. Criteria: GeneDx Variant Classification (06012015). Collection method: clinical testing. Allele origin: germline. Affected: yes.
Comment: This variant is considered likely benign or benign based on one or more of the following criteria: it is a conservative change, it occurs at a poorly conserved position in the protein, it is predicted to be benign by multiple in silico algorithms, and/or has population frequency not consistent with disease.

Breakthrough Genomics
Classification: Benign. Review status: criteria provided, single submitter. Criteria: ACMG Guidelines, 2015. Collection method: not provided. Allele origin: germline. Inheritance: Autosomal recessive inheritance. Affected: yes.